The following is an entry in ClinVar:

NM_002474.3(MYH11):c.3168G>A (p.Leu1056=)

Gene: MYH11 (myosin heavy chain 11; minus strand). Cytogenetic location: 16p13.11.
Variant type: single nucleotide variant.
Coding change: c.3168G>A on transcript NM_002474.3 (MANE Select); coding-DNA position 3168, G replaced by A.
Protein change: p.Leu1056=; no amino-acid change (leucine 1056 retained).
Molecular consequence: synonymous variant.
Genome position (GRCh38, 1-based): chr16:15,737,574, C>T on the plus strand (G>A on the coding strand, the complement: MYH11 is on the minus strand). VCF-style: chr16-15737574-C-T. GRCh37 (hg19) VCF-style: chr16-15831431-C-T.
Other names: c.3189G>A, p.Leu1063= (NM_001040113.2, NM_001040114.2); c.3168G>A, p.Leu1056= (NM_022844.3).
Identifiers: ClinVar variation 378202 (VCV000378202.27), dbSNP rs113089286, ClinGen allele CA7922072.
Genomic context (GRCh38, chr16:15,737,574, plus strand): 5'-CGCCTGGAGGTCAGCGATCTGCTCGTGGAAGTCGCTGGCATCACCCTCCAGCTTCCGTTT[C>T]AGCTTCTCCAGCTCCTGTCGGCTCTTCTCTTCCTTCTTTAGCCGCACTGCAAAAACCAAG-3'
Protein context (NP_002465.1, residues 1046-1066): EEKSRQELEK[Leu1056=]KRKLEGDASD

ClinVar aggregate classification (germline): Benign/Likely benign. Review status: criteria provided, multiple submitters, no conflicts (2 of 4 stars). 5 submissions from 5 submitters: Benign (1); Likely benign (4). Last evaluated 2025-12-14.

Conditions:
Familial thoracic aortic aneurysm and aortic dissection (TAAD). Also called: Thoracic aortic aneurysms and dissections. Identifiers: Orphanet 91387, MedGen C4707243, MONDO:0019625.
Aortic aneurysm, familial thoracic 4 (AAT4). Also called: AORTIC ANEURYSM/AORTIC DISSECTION AND PATENT DUCTUS ARTERIOSUS. Identifiers: MedGen C1851504, MONDO:0007568, OMIM 132900.

Allele frequency attached by ClinVar (database versions not stated): TOPMed 0.00001; gnomAD 0.00002; gnomAD exomes 0.00003 and 0.00006; ExAC 0.00007.
gnomAD v4.1: 52 of 1,613,750 alleles (0.0032%); highest among the groups gnomAD compares: South Asian, 0.026%; no homozygotes.

Submissions (5):

Labcorp Genetics (formerly Invitae), Labcorp
Classification: Likely benign for Aortic aneurysm, familial thoracic 4. Last evaluated: 2025-12-14. Review status: criteria provided, single submitter. Criteria: Invitae Variant Classification Sherloc (09022015). Collection method: clinical testing. Allele origin: germline.

All of Us Research Program, National Institutes of Health
Classification: Likely benign for Familial thoracic aortic aneurysm and aortic dissection. Last evaluated: 2023-12-07. Review status: criteria provided, single submitter. Criteria: ACMG Guidelines, 2015. Collection method: clinical testing. Allele origin: germline. Inheritance: Autosomal dominant inheritance. Observed: 7 variant alleles, 7 heterozygotes.
Comment: This study involves interpretation of variants in research participants for the purpose of population health screening. Participant phenotype was not available at the time of variant classification. Additional details can be found in publication PMID: 35346344, PMCID: PMC8962531

Ambry Genetics
Classification: Likely benign for Familial thoracic aortic aneurysm and aortic dissection. Last evaluated: 2022-11-07. Review status: criteria provided, single submitter. Criteria: Ambry Variant Classification Scheme 2023. Collection method: clinical testing. Allele origin: germline.

Color Diagnostics, LLC DBA Color Health
Classification: Likely benign for Familial thoracic aortic aneurysm and aortic dissection. Last evaluated: 2018-12-01. Review status: criteria provided, single submitter. Criteria: ACMG Guidelines, 2015. Collection method: clinical testing. Allele origin: germline.

GeneDx
Classification: Benign. Last evaluated: 2015-06-26. Review status: criteria provided, single submitter. Criteria: GeneDx Variant Classification (06012015). Collection method: clinical testing. Allele origin: germline. Affected: yes.
Comment: This variant is considered likely benign or benign based on one or more of the following criteria: it is a conservative change, it occurs at a poorly conserved position in the protein, it is predicted to be benign by multiple in silico algorithms, and/or has population frequency not consistent with disease.